The following is an entry in ClinVar:

NM_006545.5(NPRL2):c.523C>A (p.Pro175Thr)

Gene: NPRL2 (NPR2 like, GATOR1 complex subunit; minus strand). Cytogenetic location: 3p21.31.
Variant type: single nucleotide variant.
Coding change: c.523C>A on transcript NM_006545.5 (MANE Select); coding-DNA position 523, C replaced by A.
Protein change: p.Pro175Thr; replaces proline 175 with threonine.
Molecular consequence: missense variant.
Genome position (GRCh38, 1-based): chr3:50,348,936, G>T on the plus strand (C>A on the coding strand, the complement: NPRL2 is on the minus strand). VCF-style: chr3-50348936-G-T. GRCh37 (hg19) VCF-style: chr3-50386367-G-T.
Other names: short protein forms P175T.
Identifiers: ClinVar variation 3066186 (VCV003066186.1), dbSNP rs1559856698, ClinGen allele CA352950476.

ClinVar aggregate classification (germline): Uncertain significance (1 of 4 stars; one submission).

Conditions:
Epilepsy, familial focal, with variable foci 2 (FFEVF2). Identifiers: MedGen C4310709, MONDO:0014924, OMIM 617116.

Submission:

MVZ Medizinische Genetik Mainz
Classification: Uncertain significance for Epilepsy, familial focal, with variable foci 2. Last evaluated: 2023-05-31. Review status: criteria provided, single submitter. Criteria: UK Practice Guidelines For Variant Classification V4 01 2020. Collection method: clinical testing. Allele origin: germline. Inheritance: Autosomal dominant inheritance. Affected: yes. Observed: 1 variant allele.
Comment: ACMG Criteria: PP3_MOD,PM2_SUP